The following is an entry in ClinVar:

ClinVar aggregate classification (germline): Uncertain significance (1 of 4 stars; one submission).

Conditions:
Adams-Oliver syndrome 4 (AOS4). Identifiers: Orphanet 974, MedGen C3809092, MONDO:0014124, OMIM 615297.

gnomAD v4.1: 1 of 1,608,130 alleles (0.000062%); highest among the groups gnomAD compares: Non-Finnish European, 0.000085%; no homozygotes.

Submission:

Labcorp Genetics (formerly Invitae), Labcorp
Classification: Uncertain significance for Adams-Oliver syndrome 4. Last evaluated: 2022-07-22. Review status: criteria provided, single submitter. Criteria: Invitae Variant Classification Sherloc (09022015). Collection method: clinical testing. Allele origin: germline.
Comment: In summary, the available evidence is currently insufficient to determine the role of this variant in disease. Therefore, it has been classified as a Variant of Uncertain Significance. Algorithms developed to predict the effect of missense changes on protein structure and function are either unavailable or do not agree on the potential impact of this missense change (SIFT: "Deleterious"; PolyPhen-2: "Probably Damaging"; Align-GVGD: "Class C0"). This variant has not been reported in the literature in individuals affected with EOGT-related conditions. This variant is not present in population databases (gnomAD no frequency). This sequence change replaces proline, which is neutral and non-polar, with glutamine, which is neutral and polar, at codon 234 of the EOGT protein (p.Pro234Gln).

NM_001278689.2(EOGT):c.701C>A (p.Pro234Gln)

Gene: EOGT (EGF domain specific O-linked N-acetylglucosamine transferase; minus strand). Cytogenetic location: 3p14.1.
Variant type: single nucleotide variant.
Coding change: c.701C>A on transcript NM_001278689.2 (MANE Select); coding-DNA position 701, C replaced by A.
Protein change: p.Pro234Gln; replaces proline 234 with glutamine.
Molecular consequence: missense variant.
Genome position (GRCh38, 1-based): chr3:69,001,634, G>T on the plus strand (C>A on the coding strand, the complement: EOGT is on the minus strand). VCF-style: chr3-69001634-G-T. GRCh37 (hg19) VCF-style: chr3-69050785-G-T.
Other names: c.701C>A, p.Pro234Gln (NM_173654.3); short protein forms P234Q.
Identifiers: ClinVar variation 1945695 (VCV001945695.5), dbSNP rs766531917, ClinGen allele CA353467072.